The following is an entry in ClinVar:

NM_015874.6(RBPJ):c.442A>G (p.Ile148Val)

Gene: RBPJ (recombination signal binding protein for immunoglobulin kappa J region; plus strand). Cytogenetic location: 4p15.2.
Variant type: single nucleotide variant.
Coding change: c.442A>G on transcript NM_015874.6 (MANE Select); coding-DNA position 442, A replaced by G.
Protein change: p.Ile148Val; replaces isoleucine 148 with valine.
Molecular consequence: missense variant.
Genome position (GRCh38, 1-based): chr4:26,420,671, A>G. VCF-style: chr4-26420671-A-G. GRCh37 (hg19) VCF-style: chr4-26422293-A-G.
Other names: c.376A>G, p.Ile126Val (NM_001363577.2, NM_203283.5); c.481A>G, p.Ile161Val (NM_001374400.1, NM_001379408.1, NM_005349.4); c.439A>G, p.Ile147Val (NM_001374401.1, NM_001374402.1, NM_001374403.1 and 3 more transcripts); c.436A>G, p.Ile146Val (NM_001379409.1); short protein forms I147V, I161V, I126V, I146V, I148V.
Identifiers: ClinVar variation 2871255 (VCV002871255.3), dbSNP rs2475305995, ClinGen allele CA356670370.

ClinVar aggregate classification (germline): Uncertain significance (1 of 4 stars; one submission).

Submission:

Labcorp Genetics (formerly Invitae), Labcorp
Classification: Uncertain significance. Last evaluated: 2024-02-23. Review status: criteria provided, single submitter. Criteria: Invitae Variant Classification Sherloc (09022015). Collection method: clinical testing. Allele origin: germline.
Comment: This sequence change replaces isoleucine, which is neutral and non-polar, with valine, which is neutral and non-polar, at codon 161 of the RBPJ protein (p.Ile161Val). This variant is not present in population databases (gnomAD no frequency). This variant has not been reported in the literature in individuals affected with RBPJ-related conditions. Advanced modeling of protein sequence and biophysical properties (such as structural, functional, and spatial information, amino acid conservation, physicochemical variation, residue mobility, and thermodynamic stability) performed at Invitae indicates that this missense variant is expected to disrupt RBPJ protein function with a positive predictive value of 80%. In summary, the available evidence is currently insufficient to determine the role of this variant in disease. Therefore, it has been classified as a Variant of Uncertain Significance.